The following is an entry in ClinVar:

ClinVar aggregate classification (germline): Uncertain significance. Review status: criteria provided, multiple submitters, no conflicts (2 of 4 stars). 2 submissions from 2 submitters: Uncertain significance (2). Last evaluated 2024-04-04.

Conditions:
Hereditary cancer-predisposing syndrome. Also called: Tumor predisposition; Neoplastic Syndromes, Hereditary; Hereditary Cancer Syndrome; Hereditary neoplastic syndrome. Identifiers: Orphanet 140162, MedGen C0027672, MeSH D009386, MONDO:0015356.
Tuberous sclerosis 1 (TSC1). Identifiers: Orphanet 805, MedGen C1854465, MONDO:0008612, OMIM 191100.

Submissions (2):

Labcorp Genetics (formerly Invitae), Labcorp
Classification: Uncertain significance for Tuberous sclerosis 1. Last evaluated: 2024-04-04. Review status: criteria provided, single submitter. Criteria: Invitae Variant Classification Sherloc (09022015). Collection method: clinical testing. Allele origin: germline.
Comment: This sequence change replaces glutamic acid, which is acidic and polar, with glutamine, which is neutral and polar, at codon 534 of the TSC1 protein (p.Glu534Gln). This variant is not present in population databases (gnomAD no frequency). This variant has not been reported in the literature in individuals affected with TSC1-related conditions. ClinVar contains an entry for this variant (Variation ID: 1776174). Advanced modeling of protein sequence and biophysical properties (such as structural, functional, and spatial information, amino acid conservation, physicochemical variation, residue mobility, and thermodynamic stability) performed at Invitae indicates that this missense variant is not expected to disrupt TSC1 protein function with a negative predictive value of 95%. In summary, the available evidence is currently insufficient to determine the role of this variant in disease. Therefore, it has been classified as a Variant of Uncertain Significance.

Ambry Genetics
Classification: Uncertain significance for Hereditary cancer-predisposing syndrome. Last evaluated: 2022-04-27. Review status: criteria provided, single submitter. Criteria: Ambry Variant Classification Scheme 2023. Collection method: clinical testing. Allele origin: germline.
Comment: The p.E534Q variant (also known as c.1600G>C), located in coding exon 13 of the TSC1 gene, results from a G to C substitution at nucleotide position 1600. The glutamic acid at codon 534 is replaced by glutamine, an amino acid with highly similar properties. This amino acid position is conserved. In addition, the in silico prediction for this alteration is inconclusive. Since supporting evidence is limited at this time, the clinical significance of this alteration remains unclear.

NM_000368.5(TSC1):c.1600G>C (p.Glu534Gln)

Gene: TSC1 (TSC complex subunit 1; minus strand). Cytogenetic location: 9q34.13.
Variant type: single nucleotide variant.
Coding change: c.1600G>C on transcript NM_000368.5 (MANE Select); coding-DNA position 1600, G replaced by C.
Protein change: p.Glu534Gln; replaces glutamic acid 534 with glutamine.
Molecular consequence: missense variant.
Genome position (GRCh38, 1-based): chr9:132,905,978, C>G on the plus strand (G>C on the coding strand, the complement: TSC1 is on the minus strand). VCF-style: chr9-132905978-C-G. GRCh37 (hg19) VCF-style: chr9-135781365-C-G.
Other names: c.1600G>C, p.Glu534Gln (NM_001406602.1, NM_001406605.1, NM_001406606.1 and 7 more transcripts); c.1597G>C, p.Glu533Gln (NM_001406603.1, NM_001406604.1, NM_001406600.1 and 6 more transcripts); c.1447G>C, p.Glu483Gln (NM_001162427.2, NM_001406610.1); c.1237G>C, p.Glu413Gln (NM_001362177.2, NM_001406614.1, NM_001406615.1 and 5 more transcripts); c.1444G>C, p.Glu482Gln (NM_001406611.1, NM_001406612.1, NM_001406613.1); c.547G>C, p.Glu183Gln (NM_001406629.1, NM_001406630.1); c.1234G>C, p.Glu412Gln (NM_001406620.1, NM_001406621.1, NM_001406622.1 and 2 more transcripts); c.649G>C, p.Glu217Gln (NM_001406626.1); and 1 more; short protein forms E483Q, E534Q, E183Q, E216Q, E412Q, E217Q, E413Q, E482Q.
Identifiers: ClinVar variation 1776174 (VCV001776174.5), dbSNP rs796053458, ClinGen allele CA375364802.